The following is an entry in ClinVar:

ClinVar aggregate classification (germline): Uncertain significance (1 of 4 stars; one submission).

Conditions:
RASopathy. Also called: rasopathies; Noonan spectrum disorder. Identifiers: Orphanet 536391, MedGen C5555857, MONDO:0021060.

gnomAD v4.1: 1 of 1,612,264 alleles (0.000062%); highest among the groups gnomAD compares: Non-Finnish European, 0.000085%; no homozygotes.

Submission:

Labcorp Genetics (formerly Invitae), Labcorp
Classification: Uncertain significance for RASopathy. Last evaluated: 2025-12-02. Review status: criteria provided, single submitter. Criteria: Invitae Variant Classification Sherloc (09022015). Collection method: clinical testing. Allele origin: germline.
Comment: This sequence change replaces isoleucine, which is neutral and non-polar, with serine, which is neutral and polar, at codon 361 of the CBL protein (p.Ile361Ser). This variant is present in population databases (no rsID available, gnomAD 0.0009%). This variant has not been reported in the literature in individuals affected with CBL-related conditions. Invitae Evidence Modeling of protein sequence and biophysical properties (such as structural, functional, and spatial information, amino acid conservation, physicochemical variation, residue mobility, and thermodynamic stability) indicates that this missense variant is expected to disrupt CBL protein function with a positive predictive value of 95%. In summary, the available evidence is currently insufficient to determine the role of this variant in disease. Therefore, it has been classified as a Variant of Uncertain Significance.

NM_005188.4(CBL):c.1082T>G (p.Ile361Ser)

Gene: CBL (Cbl proto-oncogene; plus strand). Cytogenetic location: 11q23.3.
Variant type: single nucleotide variant.
Coding change: c.1082T>G on transcript NM_005188.4 (MANE Select); coding-DNA position 1082, T replaced by G.
Protein change: p.Ile361Ser; replaces isoleucine 361 with serine.
Molecular consequence: missense variant.
Genome position (GRCh38, 1-based): chr11:119,277,831, T>G. VCF-style: chr11-119277831-T-G. GRCh37 (hg19) VCF-style: chr11-119148541-T-G.
Other names: short protein forms I361S.
Identifiers: ClinVar variation 4705166 (VCV004705166.1).
Genomic context (GRCh38, chr11:119,277,831, plus strand): 5'-ATGGACGAAATCAGAATCCTGATCTGACTGGCTTATGTGAACCAACTCCCCAAGACCATA[T>G]CAAAGTGACCCAGGTGAGTTTTGTTTCACATGATAACCATATCACTGGACACAAGCTTTA-3'
Protein context (NP_005179.2, residues 351-371): GLCEPTPQDH[Ile361Ser]KVTQEQYELY